The following is an entry in ClinVar:

NM_005184.4(CALM3):c.422A>G (p.Glu141Gly)

Gene: CALM3 (calmodulin 3; plus strand). Cytogenetic location: 19q13.32.
Variant type: single nucleotide variant.
Coding change: c.422A>G on transcript NM_005184.4 (MANE Select); coding-DNA position 422, A replaced by G.
Protein change: p.Glu141Gly; replaces glutamic acid 141 with glycine.
Molecular consequence: missense variant.
Genome position (GRCh38, 1-based): chr19:46,609,125, A>G. VCF-style: chr19-46609125-A-G. GRCh37 (hg19) VCF-style: chr19-47112382-A-G.
Other names: c.314A>G, p.Glu105Gly (NM_001329921.1, NM_001329923.1, NM_001329924.2 and 2 more transcripts); c.422A>G, p.Glu141Gly (NM_001329922.1); short protein forms E141G, E105G.
Identifiers: ClinVar variation 458198 (VCV000458198.12), dbSNP rs1555814427, ClinGen allele CA406473868.

ClinVar aggregate classification (germline): Likely pathogenic (1 of 4 stars; one submission).

Conditions:
Long QT syndrome 1 (LQT1). Identifiers: Orphanet 101016, Orphanet 768, MedGen C4551647, MONDO:0100316, OMIM 192500, MONDO:0008646.

Submission:

Labcorp Genetics (formerly Invitae), Labcorp
Classification: Likely pathogenic for Long QT syndrome 1. Last evaluated: 2019-09-11. Review status: criteria provided, single submitter. Criteria: Invitae Variant Classification Sherloc (09022015). Collection method: clinical testing. Allele origin: germline.
Comment: This sequence change replaces glutamic acid with glycine at codon 141 of the CALM3 protein (p.Glu141Gly). The glutamic acid residue is highly conserved and there is a moderate physicochemical difference between glutamic acid and glycine. In summary, the currently available evidence indicates that the variant is pathogenic, but additional data are needed to prove that conclusively. Therefore, this variant has been classified as Likely Pathogenic. Algorithms developed to predict the effect of sequence changes on RNA splicing suggest that this variant is not likely to affect RNA splicing, but this prediction has not been confirmed by published transcriptional studies. Algorithms developed to predict the effect of missense changes on protein structure and function (SIFT, PolyPhen-2, Align-GVGD) all suggest that this variant is likely to be disruptive, but these predictions have not been confirmed by published functional studies and their clinical significance is uncertain. This variant has been observed in individual(s) with long QT syndrome (Invitae). In at least one individual the variant was observed to be de novo. ClinVar contains an entry for this variant (Variation ID: 458198). This variant is not present in population databases (ExAC no frequency). The CALM1, CALM2 and CALM3 genes code for three identical proteins of calmodulin that only differ in their promoter and untranslated regions (PMID: 11569915). The same variant c.422A>G (p.Glu141Gly) located in CALM1 has been shown to disrupt calcium binding in calmodulin and reported to occur de novo in an individual with long QT syndrome (PMID: 26969752).

Literature cited by the submitters: PubMed 11569915; PubMed 26969752.